The following is an entry in ClinVar:

NM_002075.4(GNB3):c.898A>G (p.Met300Val)

Genes: CDCA3 (cell division cycle associated 3; minus strand), GNB3 (G protein subunit beta 3; plus strand). Cytogenetic location: 12p13.31.
Variant type: single nucleotide variant.
Coding change: c.898A>G on transcript NM_002075.4 (MANE Select); coding-DNA position 898, A replaced by G.
Protein change: p.Met300Val; replaces methionine 300 with valine.
Molecular consequence: missense variant. On other transcripts: 3 prime UTR variant (1).
Genome position (GRCh38, 1-based): chr12:6,845,784, A>G. VCF-style: chr12-6845784-A-G. GRCh37 (hg19) VCF-style: chr12-6954948-A-G.
Other names: c.895A>G, p.Met299Val (NM_001297571.2); c.*1004T>C (NM_001297603.3); short protein forms M299V, M300V.
Identifiers: ClinVar variation 1393548 (VCV001393548.8), dbSNP rs1325292246, ClinGen allele CA383675556.
Genomic context (GRCh38, chr12:6,845,784, plus strand): 5'-CTCAGTGGCCGCCTACTATTCGCTGGCTACGACGACTTCAACTGCAATGTCTGGGACTCC[A>G]TGAAGTCTGAGCGTGTGGGTAAGGGCCAGCCCTGGCTGCTGCTTCCTCAGCTGGAAGGAC-3'
Protein context (NP_002066.1, residues 290-310): DDFNCNVWDS[Met300Val]KSERVGILSG

ClinVar aggregate classification (germline): Uncertain significance (1 of 4 stars; one submission).

Allele frequency attached by ClinVar (database versions not stated): TOPMed below 0.00001; gnomAD exomes below 0.00001.
gnomAD v4.1: 1 of 1,613,688 alleles (0.000062%); highest among the groups gnomAD compares: Admixed American, 0.0017%; no homozygotes.

Submission:

Labcorp Genetics (formerly Invitae), Labcorp
Classification: Uncertain significance. Last evaluated: 2022-11-29. Review status: criteria provided, single submitter. Criteria: Invitae Variant Classification Sherloc (09022015). Collection method: clinical testing. Allele origin: germline.
Comment: In summary, the available evidence is currently insufficient to determine the role of this variant in disease. Therefore, it has been classified as a Variant of Uncertain Significance. Advanced modeling of protein sequence and biophysical properties (such as structural, functional, and spatial information, amino acid conservation, physicochemical variation, residue mobility, and thermodynamic stability) performed at Invitae indicates that this missense variant is not expected to disrupt GNB3 protein function. ClinVar contains an entry for this variant (Variation ID: 1393548). This variant has not been reported in the literature in individuals affected with GNB3-related conditions. This variant is present in population databases (no rsID available, gnomAD 0.003%). This sequence change replaces methionine, which is neutral and non-polar, with valine, which is neutral and non-polar, at codon 300 of the GNB3 protein (p.Met300Val).